The following is an entry in ClinVar:

ClinVar aggregate classification (germline): Conflicting classifications of pathogenicity. Review status: criteria provided, conflicting classifications (1 of 4 stars). 3 submissions from 3 submitters: Uncertain significance (2); Likely benign (1). Last evaluated 2025-04-12.

Conditions:
Nephrotic syndrome 14. Also called: Sphingosine Phosphate Lyase Insufficiency Syndrome; RENI SYNDROME; RENAL, ENDOCRINE, NEUROLOGIC, AND IMMUNE SYNDROME. Identifiers: Orphanet 506334, MedGen C4540559, MONDO:0033203, OMIM 617575.
SGPL1-related disorder. Also called: SGPL1-related condition. Identifiers: MedGen CN380158.

Allele frequency attached by ClinVar (database versions not stated): gnomAD 0.00004; gnomAD exomes 0.00016; ExAC 0.00026; 1000 Genomes Project 30x 0.00047; 1000 Genomes Project 0.00060.
gnomAD v4.1: 235 of 1,614,110 alleles (0.015%); highest among the groups gnomAD compares: South Asian, 0.23%; no homozygotes.

Submissions (3):

PreventionGenetics, part of Exact Sciences
Classification: Likely benign for SGPL1-related condition. Last evaluated: 2025-04-12. Review status: criteria provided, single submitter. Criteria: ACMG Guidelines, 2015. Collection method: clinical testing. Allele origin: germline.
Comment: This variant is classified as likely benign based on ACMG/AMP sequence variant interpretation guidelines (Richards et al. 2015 PMID: 25741868, with internal and published modifications).

Labcorp Genetics (formerly Invitae), Labcorp
Classification: Uncertain significance. Last evaluated: 2022-07-23. Review status: criteria provided, single submitter. Criteria: Invitae Variant Classification Sherloc (09022015). Collection method: clinical testing. Allele origin: germline.
Comment: In summary, the available evidence is currently insufficient to determine the role of this variant in disease. Therefore, it has been classified as a Variant of Uncertain Significance. Algorithms developed to predict the effect of sequence changes on RNA splicing suggest that this variant may create or strengthen a splice site. Algorithms developed to predict the effect of missense changes on protein structure and function output the following: SIFT: "Deleterious"; PolyPhen-2: "Benign"; Align-GVGD: "Class C0". The glutamine amino acid residue is found in multiple mammalian species, which suggests that this missense change does not adversely affect protein function. This variant has not been reported in the literature in individuals affected with SGPL1-related conditions. This variant is present in population databases (rs531077460, gnomAD 0.2%). This sequence change replaces arginine, which is basic and polar, with glutamine, which is neutral and polar, at codon 340 of the SGPL1 protein (p.Arg340Gln).

Revvity Omics, Revvity
Classification: Uncertain significance for Nephrotic syndrome 14. Last evaluated: 2021-10-08. Review status: criteria provided, single submitter. Criteria: ACMG Guidelines, 2015. Collection method: clinical testing. Allele origin: germline.

NM_003901.4(SGPL1):c.1019G>A (p.Arg340Gln)

Gene: SGPL1 (sphingosine-1-phosphate lyase 1; plus strand). Cytogenetic location: 10q22.1.
Variant type: single nucleotide variant.
Coding change: c.1019G>A on transcript NM_003901.4 (MANE Select); coding-DNA position 1019, G replaced by A.
Protein change: p.Arg340Gln; replaces arginine 340 with glutamine.
Molecular consequence: missense variant.
Genome position (GRCh38, 1-based): chr10:70,871,946, G>A. VCF-style: chr10-70871946-G-A. GRCh37 (hg19) VCF-style: chr10-72631703-G-A.
Other names: c.1019G>A (NM_003901.3); short protein forms R340Q.
Identifiers: ClinVar variation 2428320 (VCV002428320.10), dbSNP rs531077460, ClinGen allele CA5541351.